The following is an entry in ClinVar:

NM_001378457.1(DMXL2):c.2108C>T (p.Ser703Leu)

Gene: DMXL2 (Dmx like 2; minus strand). Cytogenetic location: 15q21.2.
Variant type: single nucleotide variant.
Coding change: c.2108C>T on transcript NM_001378457.1 (MANE Select); coding-DNA position 2108, C replaced by T.
Protein change: p.Ser703Leu; replaces serine 703 with leucine.
Molecular consequence: missense variant. On other transcripts: non-coding transcript variant (2).
Genome position (GRCh38, 1-based): chr15:51,536,372, G>A on the plus strand (C>T on the coding strand, the complement: DMXL2 is on the minus strand). VCF-style: chr15-51536372-G-A. GRCh37 (hg19) VCF-style: chr15-51828569-G-A.
Other names: c.2108C>T, p.Ser703Leu (NM_001174116.3, NM_001174117.3, NM_001378458.1 and 6 more transcripts); c.1868C>T, p.Ser623Leu (NM_001378464.1); short protein forms S623L, S703L.
Identifiers: ClinVar variation 2066683 (VCV002066683.1), dbSNP rs768799908, ClinGen allele CA7562450.

ClinVar aggregate classification (germline): Uncertain significance (1 of 4 stars; one submission).

Allele frequency attached by ClinVar (database versions not stated): TOPMed 0.00001; gnomAD 0.00003.
gnomAD v4.1: 20 of 1,613,410 alleles (0.0012%); highest among the groups gnomAD compares: Admixed American, 0.012%; no homozygotes.

Submission:

Labcorp Genetics (formerly Invitae), Labcorp
Classification: Uncertain significance. Last evaluated: 2022-06-19. Review status: criteria provided, single submitter. Criteria: Invitae Variant Classification Sherloc (09022015). Collection method: clinical testing. Allele origin: germline.
Comment: This sequence change replaces serine, which is neutral and polar, with leucine, which is neutral and non-polar, at codon 703 of the DMXL2 protein (p.Ser703Leu). This variant is present in population databases (rs768799908, gnomAD 0.02%). This variant has not been reported in the literature in individuals affected with DMXL2-related conditions. Algorithms developed to predict the effect of missense changes on protein structure and function output the following: SIFT: "Tolerated"; PolyPhen-2: "Benign"; Align-GVGD: "Class C0". The leucine amino acid residue is found in multiple mammalian species, which suggests that this missense change does not adversely affect protein function. In summary, the available evidence is currently insufficient to determine the role of this variant in disease. Therefore, it has been classified as a Variant of Uncertain Significance.